The following is an entry in ClinVar:

NM_147127.5(EVC2):c.1519C>T (p.Gln507Ter)

Gene: EVC2 (EvC ciliary complex subunit 2; minus strand). Cytogenetic location: 4p16.2.
Variant type: single nucleotide variant.
Coding change: c.1519C>T on transcript NM_147127.5 (MANE Select); coding-DNA position 1519, C replaced by T.
Protein change: p.Gln507Ter; replaces glutamine 507 with a stop codon.
Molecular consequence: nonsense.
Genome position (GRCh38, 1-based): chr4:5,631,984, G>A on the plus strand (C>T on the coding strand, the complement: EVC2 is on the minus strand). VCF-style: chr4-5631984-G-A. GRCh37 (hg19) VCF-style: chr4-5633711-G-A.
Other names: c.1279C>T, p.Gln427Ter (NM_001166136.2); short protein forms Q427*, Q507*.
Identifiers: ClinVar variation 2942242 (VCV002942242.3), dbSNP rs2475407665, ClinGen allele CA356149489.

ClinVar aggregate classification (germline): Pathogenic (1 of 4 stars; one submission).

Conditions:
Curry-Hall syndrome (WAD). Also called: WEYERS ACRODENTAL DYSOSTOSIS. Identifiers: Orphanet 952, MedGen C0457013, MONDO:0008673, OMIM 193530.
Ellis-van Creveld syndrome (EVC). Also called: EVC-Related Ellis-van Creveld Syndrome; EVC2-Related Ellis-van Creveld Syndrome; MESOECTODERMAL DYSPLASIA; Chondroectodermal dysplasia. Identifiers: Orphanet 289, MedGen C0013903, MONDO:0009162, OMIM 225500.

Allele frequency attached by ClinVar (database versions not stated): gnomAD exomes below 0.00001.
gnomAD v4.1: 1 of 1,614,242 alleles (0.000062%); highest among the groups gnomAD compares: Non-Finnish European, 0.000085%; no homozygotes.

Submission:

Labcorp Genetics (formerly Invitae), Labcorp
Classification: Pathogenic for Curry-Hall syndrome; Ellis-van Creveld syndrome. Last evaluated: 2023-01-28. Review status: criteria provided, single submitter. Criteria: Invitae Variant Classification Sherloc (09022015). Collection method: clinical testing. Allele origin: germline.
Comment: For these reasons, this variant has been classified as Pathogenic. This variant has not been reported in the literature in individuals affected with EVC2-related conditions. This variant is not present in population databases (gnomAD no frequency). This sequence change creates a premature translational stop signal (p.Gln507*) in the EVC2 gene. It is expected to result in an absent or disrupted protein product. Loss-of-function variants in EVC2 are known to be pathogenic (PMID: 17024374, 19810119, 19876929).

Literature cited by the submitters: PubMed 17024374; PubMed 19810119; PubMed 19876929.